The following is an entry in ClinVar:

ClinVar aggregate classification (germline): Uncertain significance (1 of 4 stars; one submission).

Conditions:
Epidermolysis bullosa simplex 5B, with muscular dystrophy (EBS5B). Also called: Epidermolysis bullosa simplex with muscular dystrophy; EPIDERMOLYSIS BULLOSA SIMPLEX AND LIMB-GIRDLE MUSCULAR DYSTROPHY. Identifiers: Orphanet 257, MedGen C2931072, MONDO:0009181, OMIM 226670.
Epidermolysis bullosa simplex, Ogna type (EBS5A). Also called: Pidermolysis bullosa simplex 5A, Ogna type; EPIDERMOLYSIS BULLOSA SIMPLEX 5A, OGNA TYPE. Identifiers: Orphanet 79401, MedGen C0432317, MONDO:0007555, OMIM 131950.
Epidermolysis bullosa simplex with nail dystrophy (EBS5D). Identifiers: MedGen C4225309, MONDO:0014661, OMIM 616487.
Epidermolysis bullosa simplex 5C, with pyloric atresia (EBS5C). Also called: PLEC1-Related Epidermolysis Bullosa with Pyloric Atresia; PLEC-Related Epidermolysis Bullosa with Pyloric Atresia; Epidermolysis bullosa simplex with pyloric atresia. Identifiers: Orphanet 158684, MedGen C2677349, MONDO:0012807, OMIM 612138.
Autosomal recessive limb-girdle muscular dystrophy type 2Q (LGMDR17). Also called: MUSCULAR DYSTROPHY, LIMB-GIRDLE, AUTOSOMAL RECESSIVE 17. Identifiers: Orphanet 254361, MedGen C3150989, MONDO:0013390, OMIM 613723.

Allele frequency attached by ClinVar (database versions not stated): gnomAD exomes below 0.00001; gnomAD 0.00001.
gnomAD v4.1: 5 of 1,546,240 alleles (0.00032%); highest among the groups gnomAD compares: Middle Eastern, 0.021%; no homozygotes.

Submission:

Labcorp Genetics (formerly Invitae), Labcorp
Classification: Uncertain significance for Autosomal recessive limb-girdle muscular dystrophy type 2Q; Epidermolysis bullosa simplex, Ogna type; Epidermolysis bullosa simplex with nail dystrophy; Epidermolysis bullosa simplex 5C, with pyloric atresia; Epidermolysis bullosa simplex 5B, with muscular dystrophy. Last evaluated: 2022-06-15. Review status: criteria provided, single submitter. Criteria: Invitae Variant Classification Sherloc (09022015). Collection method: clinical testing. Allele origin: germline.
Comment: This sequence change replaces tyrosine, which is neutral and polar, with cysteine, which is neutral and slightly polar, at codon 4554 of the PLEC protein (p.Tyr4554Cys). In summary, the available evidence is currently insufficient to determine the role of this variant in disease. Therefore, it has been classified as a Variant of Uncertain Significance. Algorithms developed to predict the effect of missense changes on protein structure and function are either unavailable or do not agree on the potential impact of this missense change (SIFT: "Deleterious"; PolyPhen-2: "Not Available"; Align-GVGD: "Class C65"). This variant has not been reported in the literature in individuals affected with PLEC-related conditions. This variant is not present in population databases (gnomAD no frequency).

NM_201384.3(PLEC):c.13580A>G (p.Tyr4527Cys)

Gene: PLEC (plectin; minus strand). Cytogenetic location: 8q24.3.
Variant type: single nucleotide variant.
Coding change: c.13580A>G on transcript NM_201384.3 (MANE Select); coding-DNA position 13580, A replaced by G.
Protein change: p.Tyr4527Cys; replaces tyrosine 4527 with cysteine.
Molecular consequence: missense variant.
Genome position (GRCh38, 1-based): chr8:143,916,241, T>C on the plus strand (A>G on the coding strand, the complement: PLEC is on the minus strand). VCF-style: chr8-143916241-T-C. GRCh37 (hg19) VCF-style: chr8-144990409-T-C.
Other names: c.13661A>G, p.Tyr4554Cys (NM_000445.5); c.10280A>G, p.Tyr3427Cys (NM_001410941.1); c.13538A>G, p.Tyr4513Cys (NM_201378.4); c.13514A>G, p.Tyr4505Cys (NM_201379.3); c.13991A>G, p.Tyr4664Cys (NM_201380.4); c.13484A>G, p.Tyr4495Cys (NM_201381.3); c.13580A>G, p.Tyr4527Cys (NM_201382.4); c.13592A>G, p.Tyr4531Cys (NM_201383.3); short protein forms Y4513C, Y4495C, Y4531C, Y4664C, Y3427C, Y4505C, Y4527C, Y4554C.
Identifiers: ClinVar variation 1955561 (VCV001955561.5), dbSNP rs1563915780, ClinGen allele CA372473599.